The following continues an entry in ClinVar:

NM_138691.3(TMC1):c.1763+3A>G

Gene: TMC1. ClinVar aggregate classification (germline): Pathogenic/Likely pathogenic. Pathogenic (11); Likely pathogenic (4).

Submissions 13 to 18 of 18:

Molecular Diagnostics Laboratory, M Health Fairview: University of Minnesota
Classification: Pathogenic for Autosomal recessive nonsyndromic hearing loss 7. Last evaluated: 2017-06-21. Review status: criteria provided, single submitter. Criteria: ACMG Guidelines, 2015. Collection method: clinical testing. Allele origin: germline. Affected: yes. Observed: 1 variant allele.

Illumina Laboratory Services, Illumina
Classification: Likely pathogenic for Autosomal recessive nonsyndromic hearing loss 7. Last evaluated: 2017-04-28. Review status: criteria provided, single submitter. Criteria: ICSL Variant Classification Criteria 09 May 2019. Collection method: clinical testing. Allele origin: germline.
Comment: The TMC1 c.1763+3A>G splice region variant was first reported by de Heer et al. (2011) in a homozygous state in three siblings from a large, distantly-consanguineous Dutch family affected with autosomal recessive nonsyndromic hearing loss. Both unaffected parents were heterozygous for this variant. The variant was found in a heterozygous state in one of 177 Dutch control individuals and is reported at a frequency of 0.00130 in the European (non-Finnish) population of the Exome Aggregation Consortium. RT-PCR analysis on RNA isolated from blood of a homozygous patient revealed that the c.1763+3A>G variant causes alternative splicing and introduces 47 bp of intronic sequence into exon 19, which ultimately results in a frameshift and premature stop. Minigene analysis revealed that the variant completely abolished the normal splicing signal (de Heer et al. 2011). Based on the evidence, the p.1763+3A>G variant is classified as likely pathogenic for autosomal recessive nonsyndromic hearing loss. This variant was observed by ICSL as part of a predisposition screen in an ostensibly healthy population.

Laboratory for Molecular Medicine, Mass General Brigham Personalized Medicine
Classification: Pathogenic for Rare genetic deafness. Last evaluated: 2017-04-11. Review status: criteria provided, single submitter. Criteria: LMM Criteria. Collection method: clinical testing. Allele origin: germline. Inheritance: Autosomal recessive inheritance. Observed: 16 variant alleles.
Comment: The c.1763+3A>G variant in TMC1 has been previously reported in the homozygous s tate in one individual and in the compound heterozygous state in five other indi viduals with hearing loss, and segregated in five affected family members (de He er 2011, Schrauwen 2013, LMM data). It has been identified in 0.1% (153/152370) of European chromosomes by the Genome Aggregation Database (gnomAD; dbSNP rs370898981). This variant is located in the 5' spli ce region, and RT-PCR analysis of RNA from affected individuals reveals abnormal splicing of TMC1 transcripts resulting in a premature stop codon (de Heer 2011) . In summary, this variant meets criteria to be classified as pathogenic for aut osomal recessive nonsyndromic sensorineural hearing loss. ACMG/AMP Criteria appl ied: PM3_VeryStrong, PP1_Strong, PS3.

Clinical Genetics DNA and cytogenetics Diagnostics Lab, Erasmus MC, Erasmus Medical Center
Classification: Pathogenic. Review status: no assertion criteria provided. Collection method: clinical testing. Allele origin: germline. Affected: yes. Study: VKGL Data-share Consensus. Not counted in ClinVar's aggregate classification.

Genomics England Pilot Project, Genomics England
Classification: Likely pathogenic for Autosomal dominant nonsyndromic hearing loss 36. Review status: no assertion criteria provided. Criteria: ACGS Guidelines, 2016. Collection method: clinical testing. Allele origin: germline. Affected: yes. Not counted in ClinVar's aggregate classification.

Joint Genome Diagnostic Labs from Nijmegen and Maastricht, Radboudumc and MUMC+
Classification: Pathogenic. Review status: no assertion criteria provided. Collection method: clinical testing. Allele origin: germline. Affected: yes. Study: VKGL Data-share Consensus. Not counted in ClinVar's aggregate classification.

Literature cited by the submitters: PubMed 21252500 (cited by 8 submitters); PubMed 35407445 (cited by Laboratory of Molecular, Cellular and Translation Genetics in Otolaryngology/ Lim32-hcfmusp, University of Sao Paulo School of Medicine Clinics Hospital and Women's Health and Genetics/Laboratory Corporation of America, LabCorp); PubMed 42233699 (cited by Laboratory of Molecular, Cellular and Translation Genetics in Otolaryngology/ Lim32-hcfmusp, University of Sao Paulo School of Medicine Clinics Hospital); PubMed 17576681 (cited by Labcorp Genetics (formerly Invitae), Labcorp); PubMed 9536098 (cited by Labcorp Genetics (formerly Invitae), Labcorp); PubMed 31980526 (cited by Variantyx, Inc.); PubMed 31152317 (cited by Variantyx, Inc.); PubMed 23208854 (cited by Illumina Laboratory Services, Illumina and Laboratory for Molecular Medicine, Mass General Brigham Personalized Medicine).